The following is an entry in ClinVar:

ClinVar aggregate classification (germline): Likely pathogenic (1 of 4 stars; one submission).

Conditions:
Methylcobalamin deficiency type cblG (HMAG). Also called: HOMOCYSTINURIA-MEGALOBLASTIC ANEMIA, cblG COMPLEMENTATION TYPE; HOMOCYSTINURIA-MEGALOBLASTIC ANEMIA, cblG TYPE; HOMOCYSTINURIA-MEGALOBLASTIC ANEMIA DUE TO DEFECT IN COBALAMIN METABOLISM, cblG COMPLEMENTATION TYPE; Functional methionine synthase deficiency type cblG. Identifiers: Orphanet 2170, Orphanet 622, MedGen C1855128, MONDO:0009609, OMIM 250940.

gnomAD v4.1: 12 of 1,611,158 alleles (0.00074%); highest among the groups gnomAD compares: South Asian, 0.0022%; no homozygotes.

Submission:

Labcorp Genetics (formerly Invitae), Labcorp
Classification: Likely pathogenic for Methylcobalamin deficiency type cblG. Last evaluated: 2025-04-12. Review status: criteria provided, single submitter. Criteria: Invitae Variant Classification Sherloc (09022015). Collection method: clinical testing. Allele origin: germline.
Comment: This sequence change falls in intron 18 of the MTR gene. It does not directly change the encoded amino acid sequence of the MTR protein. This variant is present in population databases (rs192346180, gnomAD 0.003%). This variant has been observed in individual(s) with cobalamin G deficiency (internal data). ClinVar contains an entry for this variant (Variation ID: 2776391). Algorithms developed to predict the effect of sequence changes on RNA splicing suggest that this variant may disrupt the consensus splice site. In summary, the currently available evidence indicates that the variant is pathogenic, but additional data are needed to prove that conclusively. Therefore, this variant has been classified as Likely Pathogenic.

NM_000254.3(MTR):c.1954-12A>G

Gene: MTR (5-methyltetrahydrofolate-homocysteine methyltransferase; plus strand). Cytogenetic location: 1q43.
Variant type: single nucleotide variant.
Coding change: c.1954-12A>G on transcript NM_000254.3 (MANE Select); 12 bases into the intron before coding-DNA position 1954, A replaced by G.
Molecular consequence: intron variant.
Genome position (GRCh38, 1-based): chr1:236,859,821, A>G. VCF-style: chr1-236859821-A-G. GRCh37 (hg19) VCF-style: chr1-237023121-A-G.
Other names: c.1954-12A>G (NM_001291939.1, NM_001410942.1); c.733-12A>G (NM_001291940.2).
Identifiers: ClinVar variation 2776391 (VCV002776391.3), dbSNP rs192346180, ClinGen allele CA1474227.
Genomic context (GRCh38, chr1:236,859,821, plus strand): 5'-TGTTTGTTTTGCCATCAAACAGTTTGGTTAGTGATGAGTTGTATCCATTTCTTGGTTTCA[A>G]TTTCAATTCAGACTCAAGGCACAGGAGGGAAGAAAGTCATTCAGACTGATGAGTGGAGAA-3'